The following is an entry in ClinVar:

ClinVar aggregate classification (germline): Uncertain significance (1 of 4 stars; one submission).

Conditions:
Combined immunodeficiency due to OX40 deficiency. Also called: OX40 DEFICIENCY; Immunodeficiency 16. Identifiers: Orphanet 431149, MedGen C3810053, MONDO:0014268, OMIM 615593.

gnomAD v4.1: 2 of 1,611,410 alleles (0.00012%); highest among the groups gnomAD compares: Admixed American, 0.0017%; no homozygotes.

Submission:

Labcorp Genetics (formerly Invitae), Labcorp
Classification: Uncertain significance for Combined immunodeficiency due to OX40 deficiency. Last evaluated: 2023-12-27. Review status: criteria provided, single submitter. Criteria: Invitae Variant Classification Sherloc (09022015). Collection method: clinical testing. Allele origin: germline.
Comment: This sequence change replaces arginine, which is basic and polar, with proline, which is neutral and non-polar, at codon 110 of the TNFRSF4 protein (p.Arg110Pro). This variant is not present in population databases (gnomAD no frequency). This variant has not been reported in the literature in individuals affected with TNFRSF4-related conditions. Advanced modeling of protein sequence and biophysical properties (such as structural, functional, and spatial information, amino acid conservation, physicochemical variation, residue mobility, and thermodynamic stability) performed at Invitae indicates that this missense variant is not expected to disrupt TNFRSF4 protein function with a negative predictive value of 80%. In summary, the available evidence is currently insufficient to determine the role of this variant in disease. Therefore, it has been classified as a Variant of Uncertain Significance.

NM_003327.4(TNFRSF4):c.329G>C (p.Arg110Pro)

Gene: TNFRSF4 (TNF receptor superfamily member 4; minus strand). Cytogenetic location: 1p36.33.
Variant type: single nucleotide variant.
Coding change: c.329G>C on transcript NM_003327.4 (MANE Select); coding-DNA position 329, G replaced by C.
Protein change: p.Arg110Pro; replaces arginine 110 with proline.
Molecular consequence: missense variant.
Genome position (GRCh38, 1-based): chr1:1,213,033, C>G on the plus strand (G>C on the coding strand, the complement: TNFRSF4 is on the minus strand). VCF-style: chr1-1213033-C-G. GRCh37 (hg19) VCF-style: chr1-1148413-C-G.
Other names: c.329G>C, p.Arg110Pro (NM_001410709.1); short protein forms R110P.
Identifiers: ClinVar variation 2818345 (VCV002818345.3), dbSNP rs371978650, ClinGen allele CA337801479.